The following is an entry in ClinVar:

NM_000528.4(MAN2B1):c.451G>A (p.Ala151Thr)

Gene: MAN2B1 (mannosidase alpha class 2B member 1; minus strand). Cytogenetic location: 19p13.13.
Variant type: single nucleotide variant.
Coding change: c.451G>A on transcript NM_000528.4 (MANE Select); coding-DNA position 451, G replaced by A.
Protein change: p.Ala151Thr; replaces alanine 151 with threonine.
Molecular consequence: missense variant.
Genome position (GRCh38, 1-based): chr19:12,664,971, C>T on the plus strand (G>A on the coding strand, the complement: MAN2B1 is on the minus strand). VCF-style: chr19-12664971-C-T. GRCh37 (hg19) VCF-style: chr19-12775785-C-T.
Other names: c.451G>A, p.Ala151Thr (NM_001173498.2); short protein forms A151T.
Identifiers: ClinVar variation 2169179 (VCV002169179.2), dbSNP rs371597285, ClinGen allele CA9226794.

ClinVar aggregate classification (germline): Uncertain significance (1 of 4 stars; one submission).

Conditions:
Deficiency of alpha-mannosidase (MANSA). Also called: Mannosidosis, alpha-, types I and II; LYSOSOMAL ALPHA-D-MANNOSIDASE DEFICIENCY; Alpha-Mannosidosis. Identifiers: Orphanet 61, MedGen C0024748, MONDO:0009561, OMIM 248500.

Allele frequency attached by ClinVar (database versions not stated): gnomAD exomes below 0.00001; ExAC 0.00001; TOPMed 0.00002; ESP Exome Variant Server 0.00008.
gnomAD v4.1: 2 of 1,613,646 alleles (0.00012%); highest among the groups gnomAD compares: African/African-American, 0.0013%; no homozygotes.

Submission:

Labcorp Genetics (formerly Invitae), Labcorp
Classification: Uncertain significance for Deficiency of alpha-mannosidase. Last evaluated: 2025-06-03. Review status: criteria provided, single submitter. Criteria: Invitae Variant Classification Sherloc (09022015). Collection method: clinical testing. Allele origin: germline.
Comment: This sequence change replaces alanine, which is neutral and non-polar, with threonine, which is neutral and polar, at codon 151 of the MAN2B1 protein (p.Ala151Thr). This variant is present in population databases (rs371597285, gnomAD 0.01%). This variant has not been reported in the literature in individuals affected with MAN2B1-related conditions. ClinVar contains an entry for this variant (Variation ID: 2169179). Invitae Evidence Modeling of protein sequence and biophysical properties (such as structural, functional, and spatial information, amino acid conservation, physicochemical variation, residue mobility, and thermodynamic stability) indicates that this missense variant is not expected to disrupt MAN2B1 protein function with a negative predictive value of 95%. In summary, the available evidence is currently insufficient to determine the role of this variant in disease. Therefore, it has been classified as a Variant of Uncertain Significance.